The following is an entry in ClinVar:

NM_153603.4(COG7):c.119T>A (p.Leu40Gln)

Genes: COG7 (component of oligomeric golgi complex 7; minus strand), LOC130058658 (ATAC-STARR-seq lymphoblastoid active region 10580; plus strand). Cytogenetic location: 16p12.2.
Variant type: single nucleotide variant.
Coding change: c.119T>A on transcript NM_153603.4 (MANE Select); coding-DNA position 119, T replaced by A.
Protein change: p.Leu40Gln; replaces leucine 40 with glutamine.
Molecular consequence: missense variant.
Genome position (GRCh38, 1-based): chr16:23,452,876, A>T on the plus strand (T>A on the coding strand, the complement: COG7 is on the minus strand). VCF-style: chr16-23452876-A-T. GRCh37 (hg19) VCF-style: chr16-23464197-A-T.
Other names: short protein forms L40Q.
Identifiers: ClinVar variation 1030287 (VCV001030287.1), dbSNP rs775575683, ClinGen allele CA7961416.
Genomic context (GRCh38, chr16:23,452,876, plus strand): 5'-AGCGGCTCACCCTCCACGGCGTGGTTCACCTCTTGGATGAACAGCTGCAGCTTCATCACC[A>T]GGGTGGCTGCGTGGCCATCCGCCTTCCCGGACGCCGCCTCCTTGGAGCCGGCCCTGAAGG-3'
Protein context (NP_705831.1, residues 30-50): SGKADGHAAT[Leu40Gln]VMKLQLFIQE

ClinVar aggregate classification (germline): Uncertain significance (1 of 4 stars; one submission).

Conditions:
COG7 congenital disorder of glycosylation (CDG2E). Also called: CONGENITAL DISORDER OF GLYCOSYLATION, TYPE IIe; CDG IIe. Identifiers: Orphanet 79333, MedGen C2931010, MONDO:0012118, OMIM 608779.

Allele frequency attached by ClinVar (database versions not stated): TOPMed below 0.00001; gnomAD exomes 0.00002 and 0.00003; ExAC 0.00003.
gnomAD v4.1: 34 of 1,613,982 alleles (0.0021%); highest among the groups gnomAD compares: Middle Eastern, 0.033%; no homozygotes.

Submission:

Baylor Genetics
Classification: Uncertain significance for COG7 congenital disorder of glycosylation. Last evaluated: 2020-03-12. Review status: criteria provided, single submitter. Criteria: ACMG Guidelines, 2015. Collection method: clinical testing. Allele origin: unknown. Affected: yes.
Comment: This variant was determined to be of uncertain significance according to ACMG Guidelines, 2015 [PMID:25741868].